The following is an entry in ClinVar:

ClinVar aggregate classification (germline): Conflicting classifications of pathogenicity. Review status: criteria provided, conflicting classifications (1 of 4 stars). 2 submissions from 2 submitters: Uncertain significance (1); Likely benign (1). Last evaluated 2025-08-25.

Conditions:
Myofibrillar myopathy 5. Also called: FILAMINOPATHY, AUTOSOMAL DOMINANT; Filaminopathy (type). Identifiers: Orphanet 171445, MedGen C1836050, MONDO:0012289, OMIM 609524.
Distal myopathy with posterior leg and anterior hand involvement. Also called: WILLIAMS DISTAL MYOPATHY. Identifiers: Orphanet 63273, MedGen C3279722, MONDO:0013550, OMIM 614065.
Hypertrophic cardiomyopathy 26. Also called: Cardiomyopathy, familial hypertrophic, 26. Identifiers: Orphanet 75249, MedGen C4310749, MONDO:0014883, OMIM 617047.
Cardiovascular phenotype. Identifiers: MedGen CN230736.

Allele frequency attached by ClinVar (database versions not stated): gnomAD 0.00001; TOPMed 0.00001.
gnomAD v4.1: 2 of 1,613,894 alleles (0.00012%); highest among the groups gnomAD compares: African/African-American, 0.0027%; no homozygotes.

Submissions (2):

Labcorp Genetics (formerly Invitae), Labcorp
Classification: Likely benign for Distal myopathy with posterior leg and anterior hand involvement; Myofibrillar myopathy 5; Hypertrophic cardiomyopathy 26. Last evaluated: 2025-08-25. Review status: criteria provided, single submitter. Criteria: Invitae Variant Classification Sherloc (09022015). Collection method: clinical testing. Allele origin: germline.

Ambry Genetics
Classification: Uncertain significance for Cardiovascular phenotype. Last evaluated: 2022-04-03. Review status: criteria provided, single submitter. Criteria: Ambry Variant Classification Scheme 2023. Collection method: clinical testing. Allele origin: germline.
Comment: The p.P962T variant (also known as c.2884C>A), located in coding exon 19 of the FLNC gene, results from a C to A substitution at nucleotide position 2884. The proline at codon 962 is replaced by threonine, an amino acid with highly similar properties. This amino acid position is conserved. In addition, the in silico prediction for this alteration is inconclusive. Since supporting evidence is limited at this time, the clinical significance of this alteration remains unclear.

NM_001458.5(FLNC):c.2884C>A (p.Pro962Thr)

Gene: FLNC (filamin C; plus strand). Cytogenetic location: 7q32.1.
Variant type: single nucleotide variant.
Coding change: c.2884C>A on transcript NM_001458.5 (MANE Select); coding-DNA position 2884, C replaced by A.
Protein change: p.Pro962Thr; replaces proline 962 with threonine.
Molecular consequence: missense variant.
Genome position (GRCh38, 1-based): chr7:128,843,868, C>A. VCF-style: chr7-128843868-C-A. GRCh37 (hg19) VCF-style: chr7-128483922-C-A.
Other names: c.2884C>A, p.Pro962Thr (NM_001127487.2); short protein forms P962T.
Identifiers: ClinVar variation 1053659 (VCV001053659.11), dbSNP rs765301554, ClinGen allele CA166177186.